The following is an entry in ClinVar:

NM_017780.4(CHD7):c.5828G>A (p.Arg1943Gln)

Gene: CHD7 (chromodomain helicase DNA binding protein 7; plus strand). Cytogenetic location: 8q12.2.
Variant type: single nucleotide variant.
Coding change: c.5828G>A on transcript NM_017780.4 (MANE Select); coding-DNA position 5828, G replaced by A.
Protein change: p.Arg1943Gln; replaces arginine 1943 with glutamine.
Molecular consequence: missense variant. On other transcripts: intron variant (1).
Genome position (GRCh38, 1-based): chr8:60,852,181, G>A. VCF-style: chr8-60852181-G-A. GRCh37 (hg19) VCF-style: chr8-61764740-G-A.
Other names: c.1717-10048G>A (NM_001316690.1); short protein forms R1943Q.
Identifiers: ClinVar variation 281606 (VCV000281606.15), dbSNP rs753723769, ClinGen allele CA4760470.

ClinVar aggregate classification (germline): Conflicting classifications of pathogenicity. Review status: criteria provided, conflicting classifications (1 of 4 stars). 5 submissions from 5 submitters: Uncertain significance (2); Benign (1); Likely benign (2). Last evaluated 2026-01-08.

Conditions:
CHARGE syndrome (CHARGE). Also called: Hittner Hirsch Kreh syndrome; Coloboma, heart anomaly, choanal atresia, retardation, genital and ear anomalies; CHARGE association; Hall-Hittner syndrome; CHARGE ASSOCIATION--COLOBOMA, HEART ANOMALY, CHOANAL ATRESIA, RETARDATION, GENITAL AND EAR ANOMALIES. Identifiers: Orphanet 138, MedGen C0265354, MONDO:0008965.
Hypogonadotropic hypogonadism 5 with or without anosmia (KAL5). Also called: CHD7-Related GnRH Deficiency (Kallmann Syndrome 5); HYPOGONADOTROPIC HYPOGONADISM 5 WITH ANOSMIA; HYPOGONADOTROPHIC HYPOGONADISM 5 WITHOUT ANOSMIA. Identifiers: Orphanet 478, MedGen C3552553, MONDO:0012880, OMIM 612370. Disease mechanism: loss of function.
Inborn genetic diseases. Identifiers: MedGen C0950123, MeSH D030342.

Allele frequency attached by ClinVar (database versions not stated): gnomAD 0.00001; TOPMed 0.00001; gnomAD exomes 0.00002 and 0.00003; ExAC 0.00004.
gnomAD v4.1: 32 of 1,613,782 alleles (0.002%); highest among the groups gnomAD compares: South Asian, 0.0066%; 1 homozygote.

Submissions (5):

Labcorp Genetics (formerly Invitae), Labcorp
Classification: Benign for CHARGE syndrome. Last evaluated: 2026-01-08. Review status: criteria provided, single submitter. Criteria: Invitae Variant Classification Sherloc (09022015). Collection method: clinical testing. Allele origin: germline.

Ambry Genetics
Classification: Likely benign for Inborn genetic diseases. Last evaluated: 2025-04-04. Review status: criteria provided, single submitter. Criteria: Ambry Variant Classification Scheme 2023. Collection method: clinical testing. Allele origin: germline.

Women's Health and Genetics/Laboratory Corporation of America, LabCorp
Classification: Likely benign. Last evaluated: 2025-02-07. Review status: criteria provided, single submitter. Criteria: LabCorp Variant Classification Summary - May 2015. Collection method: clinical testing. Allele origin: germline.
Comment: Variant summary: CHD7 c.5828G>A (p.Arg1943Gln) results in a conservative amino acid change in the encoded protein sequence. Four of five in-silico tools predict a benign effect of the variant on protein function. The variant allele was found at a frequency of 2e-05 in 1613782 control chromosomes, predominantly at a frequency of 6.6e-05 within the South Asian subpopulation in the gnomAD database, including 1 homozygote. The available data on variant occurrences in the general population are insufficient to allow any conclusion about variant significance. To our knowledge, no occurrence of c.5828G>A in individuals affected with CHARGE Syndrome and no experimental evidence demonstrating its impact on protein function have been reported. ClinVar contains an entry for this variant (Variation ID: 281606). Based on the evidence outlined above, the variant was classified as likely benign.

Fulgent Genetics
Classification: Uncertain significance for CHD7-related CHARGE syndrome; Hypogonadotropic hypogonadism 5 with or without anosmia. Last evaluated: 2021-10-19. Review status: criteria provided, single submitter. Criteria: ACMG Guidelines, 2015. Collection method: clinical testing. Allele origin: unknown.

Eurofins Ntd Llc (ga)
Classification: Uncertain significance. Last evaluated: 2015-07-16. Review status: criteria provided, single submitter. Criteria: EGL Classification Definitions 2015. Collection method: clinical testing. Allele origin: germline. Observed: 2 variant alleles, 2 heterozygotes.